The following is an entry in ClinVar:

NM_015909.4(NBAS):c.4847A>G (p.His1616Arg)

Gene: NBAS (NBAS subunit of NRZ tethering complex; minus strand). Cytogenetic location: 2p24.3.
Variant type: single nucleotide variant.
Coding change: c.4847A>G on transcript NM_015909.4 (MANE Select); coding-DNA position 4847, A replaced by G.
Protein change: p.His1616Arg; replaces histidine 1616 with arginine.
Molecular consequence: missense variant. On other transcripts: non-coding transcript variant (1).
Genome position (GRCh38, 1-based): chr2:15,292,717, T>C on the plus strand (A>G on the coding strand, the complement: NBAS is on the minus strand). VCF-style: chr2-15292717-T-C. GRCh37 (hg19) VCF-style: chr2-15432841-T-C.
Other names: short protein forms H1616R.
Identifiers: ClinVar variation 712260 (VCV000712260.39), dbSNP rs35295359, ClinGen allele CA1535481.
Genomic context (GRCh38, chr2:15,292,717, plus strand): 5'-TTGTAGCAGTGTAACTGCTTGGTCAGTGAAATAAGGTCTTCAGGCCAGGCTTCGTGCTCA[T>C]GTCGAGTCACATGCCTGGTGACCATCTTGATTAGTTCTTTGGGATCAGCCTATGAAAGAC-3'
Protein context (NP_056993.2, residues 1606-1626): IKMVTRHVTR[His1616Arg]EHEAWPEDLI

ClinVar aggregate classification (germline): Conflicting classifications of pathogenicity. Review status: criteria provided, conflicting classifications (1 of 4 stars). 6 submissions from 6 submitters: Uncertain significance (1); Benign (3). 2 of the submissions do not count toward it. Last evaluated 2026-02-02.

Allele frequency attached by ClinVar (database versions not stated): gnomAD exomes 0.00097 and 0.00038; ExAC 0.00130; 1000 Genomes Project 0.00300; 1000 Genomes Project 30x 0.00344; gnomAD 0.00350 and 0.00378; TOPMed 0.00400; ESP Exome Variant Server 0.00454.
gnomAD v4.1: 1,103 of 1,614,216 alleles (0.068%); highest among the groups gnomAD compares: African/African-American, 1.2%; 3 homozygotes.

Submissions (8):

Labcorp Genetics (formerly Invitae), Labcorp
Classification: Benign. Last evaluated: 2026-02-02. Review status: criteria provided, single submitter. Criteria: Invitae Variant Classification Sherloc (09022015). Collection method: clinical testing. Allele origin: germline.

Blueprint Genetics
Classification: Uncertain significance. Last evaluated: 2024-11-26. Review status: criteria provided, single submitter. Criteria: ACMG Guidelines, 2015. Collection method: clinical testing. Allele origin: germline.

CeGaT Center for Human Genetics Tuebingen
Classification: Benign. Last evaluated: 2022-07-01. Review status: criteria provided, single submitter. Criteria: CeGaT Center For Human Genetics Tuebingen Variant Classification Criteria Version 2. Collection method: clinical testing. Allele origin: germline. Affected: yes. Observed: 1 variant allele.
Comment: NBAS: BP4, BS1, BS2

Breakthrough Genomics
Classification: Benign. Review status: criteria provided, single submitter. Criteria: ACMG Guidelines, 2015. Collection method: not provided. Allele origin: germline. Inheritance: Autosomal recessive inheritance. Affected: yes.

Clinical Genetics, Academic Medical Center
Classification: Benign. Review status: no assertion criteria provided. Collection method: clinical testing. Allele origin: germline. Affected: yes. Study: VKGL Data-share Consensus. Not counted in ClinVar's aggregate classification.

Dr. Peter K. Rogan Lab, Western University
No classification provided (evidence only). Condition: Ovarian serous cystadenocarcinoma. Review status: no classification provided. Collection method: in vitro. Allele origin: not applicable. Functional consequence: retained intron. Not counted in ClinVar's aggregate classification.

Dr. Peter K. Rogan Lab, Western University
No classification provided (evidence only). Condition: Malignant tumor of esophagus. Review status: no classification provided. Collection method: in vitro. Allele origin: not applicable. Functional consequence: retained intron. Not counted in ClinVar's aggregate classification.

Genome Diagnostics Laboratory, University Medical Center Utrecht
Classification: Likely benign. Review status: no assertion criteria provided. Collection method: clinical testing. Allele origin: germline. Affected: yes. Study: VKGL Data-share Consensus. Not counted in ClinVar's aggregate classification.